The following is an entry in ClinVar:

NM_000051.4(ATM):c.1580T>C (p.Phe527Ser)

Gene: ATM (ATM serine/threonine kinase; plus strand). Cytogenetic location: 11q22.3.
Variant type: single nucleotide variant.
Coding change: c.1580T>C on transcript NM_000051.4 (MANE Select); coding-DNA position 1580, T replaced by C.
Protein change: p.Phe527Ser; replaces phenylalanine 527 with serine.
Molecular consequence: missense variant.
Genome position (GRCh38, 1-based): chr11:108,251,045, T>C. VCF-style: chr11-108251045-T-C. GRCh37 (hg19) VCF-style: chr11-108121772-T-C.
Other names: c.1580T>C, p.Phe527Ser (NM_001351834.2); short protein forms F527S.
Identifiers: ClinVar variation 1775697 (VCV001775697.2), dbSNP rs2135327600, ClinGen allele CA382534402.

ClinVar aggregate classification (germline): Uncertain significance (1 of 4 stars; one submission).

Conditions:
Hereditary cancer-predisposing syndrome. Also called: Neoplastic Syndromes, Hereditary; Tumor predisposition; Hereditary Cancer Syndrome; Hereditary neoplastic syndrome. Identifiers: Orphanet 140162, MedGen C0027672, MeSH D009386, MONDO:0015356.

Submission:

Ambry Genetics
Classification: Uncertain significance for Hereditary cancer-predisposing syndrome. Last evaluated: 2016-02-16. Review status: criteria provided, single submitter. Criteria: Ambry Variant Classification Scheme 2023. Collection method: clinical testing. Allele origin: germline.
Comment: The p.F527S variant (also known as c.1580T>C), located in coding exon 9 of the ATM gene, results from a T to C substitution at nucleotide position 1580. The phenylalanine at codon 527 is replaced by serine, an amino acid with highly dissimilar properties. This variant was not reported in population based cohorts in the following databases: Database of Single Nucleotide Polymorphisms (dbSNP), NHLBI Exome Sequencing Project (ESP), and 1000 Genomes Project. In the ESP, this variant was not observed in 6498 samples (12996 alleles) with coverage at this position. To date, this alteration has been detected with an allele frequency of approximately 0.001% (greater than 125000 alleles tested) in our clinical cohort. This amino acid position is highly conserved in available vertebrate species. In addition, this alteration is predicted to be deleterious by in silico analysis. Since supporting evidence is limited at this time, the clinical significance of this alteration remains unclear.